The following is an entry in ClinVar:

ClinVar aggregate classification (germline): Uncertain significance (1 of 4 stars; one submission).

Submission:

Labcorp Genetics (formerly Invitae), Labcorp
Classification: Uncertain significance. Last evaluated: 2024-06-21. Review status: criteria provided, single submitter. Criteria: Invitae Variant Classification Sherloc (09022015). Collection method: clinical testing. Allele origin: germline.
Comment: This sequence change replaces arginine, which is basic and polar, with serine, which is neutral and polar, at codon 52 of the IFT88 protein (p.Arg52Ser). This variant is not present in population databases (gnomAD no frequency). This variant has not been reported in the literature in individuals affected with IFT88-related conditions. An algorithm developed to predict the effect of missense changes on protein structure and function (PolyPhen-2) suggests that this variant is likely to be tolerated. In summary, the available evidence is currently insufficient to determine the role of this variant in disease. Therefore, it has been classified as a Variant of Uncertain Significance.

NM_006531.5(IFT88):c.129G>T (p.Arg43Ser)

Gene: IFT88 (intraflagellar transport 88; plus strand). Cytogenetic location: 13q12.11.
Variant type: single nucleotide variant.
Coding change: c.129G>T on transcript NM_006531.5 (MANE Select); coding-DNA position 129, G replaced by T.
Protein change: p.Arg43Ser; replaces arginine 43 with serine.
Molecular consequence: missense variant. On other transcripts: non-coding transcript variant (5), 5 prime UTR variant (1).
Genome position (GRCh38, 1-based): chr13:20,582,995, G>T. VCF-style: chr13-20582995-G-T. GRCh37 (hg19) VCF-style: chr13-21157134-G-T.
Other names: c.129G>T, p.Arg43Ser (NM_001318491.2, NM_001353568.2, NM_001353571.2 and 5 more transcripts); c.156G>T, p.Arg52Ser (NM_001318493.2, NM_001353565.2, NM_001353566.2 and 6 more transcripts); c.-435G>T (NM_001353579.2); short protein forms R52S, R43S.
Identifiers: ClinVar variation 3657167 (VCV003657167.2).